The following is an entry in ClinVar:

NM_014727.3(KMT2B):c.6111C>T (p.Phe2037=)

Gene: KMT2B (lysine methyltransferase 2B; plus strand). Cytogenetic location: 19q13.12.
Variant type: single nucleotide variant.
Coding change: c.6111C>T on transcript NM_014727.3 (MANE Select); coding-DNA position 6111, C replaced by T.
Protein change: p.Phe2037=; no amino-acid change (phenylalanine 2037 retained).
Molecular consequence: synonymous variant.
Genome position (GRCh38, 1-based): chr19:35,732,660, C>T. VCF-style: chr19-35732660-C-T. GRCh37 (hg19) VCF-style: chr19-36223561-C-T.
Identifiers: ClinVar variation 2649747 (VCV002649747.27), dbSNP rs751449665, ClinGen allele CA9385609.

ClinVar aggregate classification (germline): Benign/Likely benign. Review status: criteria provided, multiple submitters, no conflicts (2 of 4 stars). 3 submissions from 3 submitters: Benign (1); Likely benign (2). Last evaluated 2026-02-03.

Allele frequency attached by ClinVar (database versions not stated): gnomAD exomes 0.00003; gnomAD 0.00004; TOPMed 0.00004; ExAC 0.00011.
gnomAD v4.1: 44 of 1,610,418 alleles (0.0027%); highest among the groups gnomAD compares: Non-Finnish European, 0.0037%; no homozygotes.

Submissions (3):

Labcorp Genetics (formerly Invitae), Labcorp
Classification: Benign. Last evaluated: 2026-02-03. Review status: criteria provided, single submitter. Criteria: Invitae Variant Classification Sherloc (09022015). Collection method: clinical testing. Allele origin: germline.

Blueprint Genetics
Classification: Likely benign. Last evaluated: 2023-11-10. Review status: criteria provided, single submitter. Criteria: ACMG Guidelines, 2015. Collection method: clinical testing. Allele origin: germline.

CeGaT Center for Human Genetics Tuebingen
Classification: Likely benign. Last evaluated: 2023-02-01. Review status: criteria provided, single submitter. Criteria: CeGaT Center For Human Genetics Tuebingen Variant Classification Criteria Version 2. Collection method: clinical testing. Allele origin: germline. Affected: yes. Observed: 1 variant allele.
Comment: KMT2B: BP4, BP7